The following is an entry in ClinVar:

NM_018834.6(MATR3):c.387A>C (p.Pro129=)

Gene: MATR3 (matrin 3; plus strand). Cytogenetic location: 5q31.2.
Variant type: single nucleotide variant.
Coding change: c.387A>C on transcript NM_018834.6 (MANE Select); coding-DNA position 387, A replaced by C.
Protein change: p.Pro129=; no amino-acid change (proline 129 retained).
Molecular consequence: synonymous variant. On other transcripts: intron variant (11).
Genome position (GRCh38, 1-based): chr5:139,307,802, A>C. VCF-style: chr5-139307802-A-C. GRCh37 (hg19) VCF-style: chr5-138643491-A-C.
Other names: c.387A>C, p.Pro129= (NM_001194954.2, NM_001194955.2, NM_001400441.1 and 16 more transcripts); c.52-6873A>C (NM_001400459.1); c.-102-6873A>C (NM_001400463.1, NM_001400460.1, NM_001282278.2 and 3 more transcripts); c.-40-7895A>C (NM_001400462.1, NM_001400467.1); c.13-6873A>C (NM_001400461.1); c.49-6873A>C (NM_001194956.2).
Identifiers: ClinVar variation 4985883 (VCV004985883.1).

ClinVar aggregate classification (germline): Likely benign (1 of 4 stars; one submission).

Conditions:
MATR3-related disorder. Also called: MATR3-related condition.

Submission:

PreventionGenetics, part of Exact Sciences
Classification: Likely benign for MATR3-related condition. Last evaluated: 2025-02-13. Review status: criteria provided, single submitter. Criteria: ACMG Guidelines, 2015. Collection method: clinical testing. Allele origin: germline.
Comment: This variant is classified as likely benign based on ACMG/AMP sequence variant interpretation guidelines (Richards et al. 2015 PMID: 25741868, with internal and published modifications).